The following is an entry in ClinVar:

NM_003079.5(SMARCE1):c.265C>A (p.Pro89Thr)

Gene: SMARCE1 (SWI/SNF related BAF chromatin remodeling complex subunit E1; minus strand). Cytogenetic location: 17q21.2.
Variant type: single nucleotide variant.
Coding change: c.265C>A on transcript NM_003079.5 (MANE Select); coding-DNA position 265, C replaced by A.
Protein change: p.Pro89Thr; replaces proline 89 with threonine.
Molecular consequence: missense variant.
Genome position (GRCh38, 1-based): chr17:40,636,499, G>T on the plus strand (C>A on the coding strand, the complement: SMARCE1 is on the minus strand). VCF-style: chr17-40636499-G-T. GRCh37 (hg19) VCF-style: chr17-38792751-G-T.
Other names: short protein forms P89T.
Identifiers: ClinVar variation 3799017 (VCV003799017.1).
Genomic context (GRCh38, chr17:40,636,499, plus strand): 5'-CAGTGAGATCTCGCCACATGCCACCAATAATCTTGCCAATCTCCCACAACTTTAGGTCAG[G>T]GTTGGAAGCCTTTACTTGGTCCCAGACCTTAAAAAGAAAACAGATGAAATGTTAATACTG-3'
Protein context (NP_003070.3, residues 79-99): KVWDQVKASN[Pro89Thr]DLKLWEIGKI

ClinVar aggregate classification (germline): Uncertain significance (1 of 4 stars; one submission).

Conditions:
Hereditary cancer-predisposing syndrome. Also called: Neoplastic Syndromes, Hereditary; Hereditary Cancer Syndrome; Tumor predisposition; Hereditary neoplastic syndrome. Identifiers: Orphanet 140162, MedGen C0027672, MeSH D009386, MONDO:0015356.

Submission:

Ambry Genetics
Classification: Uncertain significance for Hereditary cancer-predisposing syndrome. Last evaluated: 2025-01-22. Review status: criteria provided, single submitter. Criteria: Ambry Variant Classification Scheme 2023. Collection method: clinical testing. Allele origin: germline.
Comment: The p.P89T variant (also known as c.265C>A), located in coding exon 5 of the SMARCE1 gene, results from a C to A substitution at nucleotide position 265. The proline at codon 89 is replaced by threonine, an amino acid with highly similar properties. This amino acid position is conserved. In addition, this alteration is predicted to be deleterious by in silico analysis. Based on the available evidence, the clinical significance of this variant remains unclear.